The following is an entry in ClinVar:

ClinVar aggregate classification (germline): Conflicting classifications of pathogenicity. Review status: criteria provided, conflicting classifications (1 of 4 stars). 3 submissions from 3 submitters: Uncertain significance (1); Benign (1); Likely benign (1). Last evaluated 2026-01-27.

Conditions:
Inborn genetic diseases. Identifiers: MedGen C0950123, MeSH D030342.

Allele frequency attached by ClinVar (database versions not stated): gnomAD exomes 0.00004; ExAC 0.00007; ESP Exome Variant Server 0.00031; gnomAD 0.00038; TOPMed 0.00047.
gnomAD v4.1: 117 of 1,605,798 alleles (0.0073%); highest among the groups gnomAD compares: African/African-American, 0.11%; 1 homozygote.

Submissions (3):

Labcorp Genetics (formerly Invitae), Labcorp
Classification: Benign. Last evaluated: 2026-01-27. Review status: criteria provided, single submitter. Criteria: Invitae Variant Classification Sherloc (09022015). Collection method: clinical testing. Allele origin: germline.

CeGaT Center for Human Genetics Tuebingen
Classification: Likely benign. Last evaluated: 2022-04-01. Review status: criteria provided, single submitter. Criteria: CeGaT Center For Human Genetics Tuebingen Variant Classification Criteria Version 2. Collection method: clinical testing. Allele origin: germline. Affected: yes. Observed: 1 variant allele.
Comment: FOXA2: BP4

Ambry Genetics
Classification: Uncertain significance for Inborn genetic diseases. Last evaluated: 2021-07-26. Review status: criteria provided, single submitter. Criteria: Ambry Variant Classification Scheme 2023. Collection method: clinical testing. Allele origin: germline.

NM_021784.5(FOXA2):c.1337C>G (p.Ala446Gly)

Gene: FOXA2 (forkhead box A2; minus strand). Cytogenetic location: 20p11.21.
Variant type: single nucleotide variant.
Coding change: c.1337C>G on transcript NM_021784.5 (MANE Select); coding-DNA position 1337, C replaced by G.
Protein change: p.Ala446Gly; replaces alanine 446 with glycine.
Molecular consequence: missense variant.
Genome position (GRCh38, 1-based): chr20:22,581,905, G>C on the plus strand (C>G on the coding strand, the complement: FOXA2 is on the minus strand). VCF-style: chr20-22581905-G-C. GRCh37 (hg19) VCF-style: chr20-22562543-G-C.
Other names: c.1319C>G, p.Ala440Gly (NM_153675.3); short protein forms A440G, A446G.
Identifiers: ClinVar variation 2283866 (VCV002283866.29), dbSNP rs150786045, ClinGen allele CA9786866.